The following is an entry in ClinVar:

NM_005051.3(QARS1):c.1774G>C (p.Val592Leu)

Gene: QARS1 (glutaminyl-tRNA synthetase 1; minus strand). Cytogenetic location: 3p21.31.
Variant type: single nucleotide variant.
Coding change: c.1774G>C on transcript NM_005051.3 (MANE Select); coding-DNA position 1774, G replaced by C.
Protein change: p.Val592Leu; replaces valine 592 with leucine.
Molecular consequence: missense variant. On other transcripts: non-coding transcript variant (1).
Genome position (GRCh38, 1-based): chr3:49,098,974, C>G on the plus strand (G>C on the coding strand, the complement: QARS1 is on the minus strand). VCF-style: chr3-49098974-C-G. GRCh37 (hg19) VCF-style: chr3-49136407-C-G.
Other names: c.1741G>C, p.Val581Leu (NM_001272073.2); short protein forms V592L, V581L.
Identifiers: ClinVar variation 373227 (VCV000373227.3), dbSNP rs751191501, ClinGen allele CA2391639.

ClinVar aggregate classification (germline): Uncertain significance. Review status: criteria provided, multiple submitters, no conflicts (2 of 4 stars). 2 submissions from 2 submitters: Uncertain significance (2). Last evaluated 2022-08-21.

Conditions:
Diffuse cerebral and cerebellar atrophy - intractable seizures - progressive microcephaly syndrome. Also called: Microcephaly, progressive, with seizures and cerebral and cerebellar atrophy. Identifiers: Orphanet 404437, MedGen C4014239, MONDO:0014335, OMIM 615760.

Allele frequency attached by ClinVar (database versions not stated): gnomAD exomes 0.00001; ExAC 0.00002.
gnomAD v4.1: 12 of 1,613,936 alleles (0.00074%); highest among the groups gnomAD compares: Non-Finnish European, 0.00093%; no homozygotes.

Submissions (2):

Labcorp Genetics (formerly Invitae), Labcorp
Classification: Uncertain significance for Diffuse cerebral and cerebellar atrophy - intractable seizures - progressive microcephaly syndrome. Last evaluated: 2022-08-21. Review status: criteria provided, single submitter. Criteria: Invitae Variant Classification Sherloc (09022015). Collection method: clinical testing. Allele origin: germline.
Comment: This sequence change replaces valine, which is neutral and non-polar, with leucine, which is neutral and non-polar, at codon 592 of the QARS protein (p.Val592Leu). This variant is present in population databases (rs751191501, gnomAD 0.0009%). This variant has not been reported in the literature in individuals affected with QARS-related conditions. ClinVar contains an entry for this variant (Variation ID: 373227). Algorithms developed to predict the effect of missense changes on protein structure and function (SIFT, PolyPhen-2, Align-GVGD) all suggest that this variant is likely to be tolerated. In summary, the available evidence is currently insufficient to determine the role of this variant in disease. Therefore, it has been classified as a Variant of Uncertain Significance.

GeneDx
Classification: Uncertain significance. Last evaluated: 2016-11-16. Review status: criteria provided, single submitter. Criteria: GeneDx Variant Classification (06012015). Collection method: clinical testing. Allele origin: germline. Affected: yes.
Comment: The V592L variant in the QARS gene has not been reported previously as a pathogenic variant, nor as a benign variant, to our knowledge. The V592L variant was not observed in approximately 6500 individuals of European and African American ancestry in the NHLBI Exome Sequencing Project, indicating it is not a common benign variant in these populations. The V592L variant is a conservative amino acid substitution, which is not likely to impact secondary protein structure as these residues share similar properties. This substitution occurs at a position that is conserved across species. In silico analysis predicts this variant is probably damaging to the protein structure/function. We interpret V592L as a variant of uncertain significance.